The following is an entry in ClinVar:

ClinVar aggregate classification (germline): Uncertain significance. Review status: criteria provided, multiple submitters, no conflicts (2 of 4 stars). 2 submissions from 2 submitters: Uncertain significance (2). Last evaluated 2022-03-28.

Conditions:
Myopathy, proximal, and ophthalmoplegia (CMYO6). Also called: MYOPATHY WITH CONGENITAL JOINT CONTRACTURES, OPHTHALMOPLEGIA, AND RIMMED VACUOLES; INCLUSION BODY MYOPATHY 3, AUTOSOMAL DOMINANT; CONGENITAL MYOPATHY 6 WITH OPHTHALMOPLEGIA. Identifiers: Orphanet 363677, Orphanet 79091, MedGen C1854106, MONDO:0011577, OMIM 605637.

Submissions (2):

Labcorp Genetics (formerly Invitae), Labcorp
Classification: Uncertain significance for Myopathy, proximal, and ophthalmoplegia. Last evaluated: 2022-03-28. Review status: criteria provided, single submitter. Criteria: Invitae Variant Classification Sherloc (09022015). Collection method: clinical testing. Allele origin: germline.
Comment: In summary, the available evidence is currently insufficient to determine the role of this variant in disease. Therefore, it has been classified as a Variant of Uncertain Significance. Algorithms developed to predict the effect of missense changes on protein structure and function (SIFT, PolyPhen-2, Align-GVGD) all suggest that this variant is likely to be disruptive. This variant has not been reported in the literature in individuals affected with MYH2-related conditions. This variant is not present in population databases (gnomAD no frequency). This sequence change replaces serine, which is neutral and polar, with arginine, which is basic and polar, at codon 848 of the MYH2 protein (p.Ser848Arg).

Revvity Omics, Revvity
Classification: Uncertain significance for Myopathy, proximal, and ophthalmoplegia. Last evaluated: 2019-05-09. Review status: criteria provided, single submitter. Criteria: ACMG Guidelines, 2015. Collection method: clinical testing. Allele origin: germline.

NM_017534.6(MYH2):c.2542A>C (p.Ser848Arg)

Genes: MYH2 (myosin heavy chain 2; minus strand), MYHAS (myosin heavy chain gene cluster antisense RNA; plus strand). Cytogenetic location: 17p13.1.
Variant type: single nucleotide variant.
Coding change: c.2542A>C on transcript NM_017534.6 (MANE Select); coding-DNA position 2542, A replaced by C.
Protein change: p.Ser848Arg; replaces serine 848 with arginine.
Molecular consequence: missense variant.
Genome position (GRCh38, 1-based): chr17:10,531,788, T>G on the plus strand (A>C on the coding strand, the complement: MYH2 is on the minus strand). VCF-style: chr17-10531788-T-G. GRCh37 (hg19) VCF-style: chr17-10435105-T-G.
Other names: c.2542A>C, p.Ser848Arg (NM_001100112.2); c.2542A>C (NM_017534.5); short protein forms S848R.
Identifiers: ClinVar variation 2118855 (VCV002118855.7), dbSNP rs2508437797, ClinGen allele CA398146043.